The following is an entry in ClinVar:

NM_000548.5(TSC2):c.5259+2T>G

Gene: TSC2 (TSC complex subunit 2; plus strand). Cytogenetic location: 16p13.3.
Variant type: single nucleotide variant.
Coding change: c.5259+2T>G on transcript NM_000548.5 (MANE Select); the canonical splice donor site of the intron after coding-DNA position 5259, T replaced by G.
Molecular consequence: splice donor variant.
Genome position (GRCh38, 1-based): chr16:2,088,327, T>G. VCF-style: chr16-2088327-T-G. GRCh37 (hg19) VCF-style: chr16-2138328-T-G.
Other names: c.3717+2T>G (NM_001406693.1, NM_001406692.1, NM_001406694.1); c.5151+2T>G (NM_001406667.1); c.5148+2T>G (NM_001406668.1); c.4659+2T>G (NM_001406680.1); c.4590+2T>G (NM_001406683.1, NM_001406682.1); c.4458+2T>G (NM_001406687.1, NM_001406688.1); c.3846+2T>G (NM_001406689.1); c.3786+2T>G (NM_001406690.1); and 27 more.
Identifiers: ClinVar variation 432820 (VCV000432820.2), dbSNP rs1555440894, ClinGen allele CA394314832.

ClinVar aggregate classification (germline): Likely pathogenic (1 of 4 stars; one submission).

Submission:

GeneDx
Classification: Likely pathogenic. Last evaluated: 2017-06-21. Review status: criteria provided, single submitter. Criteria: GeneDx Variant Classification (06012015). Collection method: clinical testing. Allele origin: germline. Affected: yes.
Comment: A variant that is likely pathogenic has been identified in the TSC2 gene. The c.5259+2 T>G variant has not been published as a pathogenic variant, nor has it been reported as a benign variant to our knowledge. The c.5259+2 T>G variant is not observed in large population cohorts (Lek et al., 2016; 1000 Genomes Consortium et al., 2015; Exome Variant Server). Several in-silico splice prediction models predict that c.5259+2 T>G damages or destroys the canonical splice donor site of intron 41 which may lead to abnormal gene splicing. However, in the absence of RNA/functional studies, the actual effect of this sequence change in this individual is unknown.Therefore, this variant is likely pathogenic; however, the possibility that it is benign cannot be excluded.